The following is an entry in ClinVar:

ClinVar aggregate classification (germline): Uncertain significance (1 of 4 stars; one submission).

Submission:

Labcorp Genetics (formerly Invitae), Labcorp
Classification: Uncertain significance. Last evaluated: 2021-11-29. Review status: criteria provided, single submitter. Criteria: Invitae Variant Classification Sherloc (09022015). Collection method: clinical testing. Allele origin: germline.
Comment: In summary, the available evidence is currently insufficient to determine the role of this variant in disease. Therefore, it has been classified as a Variant of Uncertain Significance. Algorithms developed to predict the effect of missense changes on protein structure and function (SIFT, PolyPhen-2, Align-GVGD) all suggest that this variant is likely to be tolerated. This variant has not been reported in the literature in individuals affected with CTNNB1-related conditions. This variant is not present in population databases (gnomAD no frequency). This sequence change replaces alanine, which is neutral and non-polar, with glycine, which is neutral and non-polar, at codon 759 of the CTNNB1 protein (p.Ala759Gly).

NM_001904.4(CTNNB1):c.2276C>G (p.Ala759Gly)

Gene: CTNNB1 (catenin beta 1; plus strand). Cytogenetic location: 3p22.1.
Variant type: single nucleotide variant.
Coding change: c.2276C>G on transcript NM_001904.4 (MANE Select); coding-DNA position 2276, C replaced by G.
Protein change: p.Ala759Gly; replaces alanine 759 with glycine.
Molecular consequence: missense variant.
Genome position (GRCh38, 1-based): chr3:41,239,272, C>G. VCF-style: chr3-41239272-C-G. GRCh37 (hg19) VCF-style: chr3-41280763-C-G.
Other names: c.2276C>G, p.Ala759Gly (NM_001098209.2, NM_001098210.2); c.2255C>G, p.Ala752Gly (NM_001330729.2); short protein forms A752G, A759G.
Identifiers: ClinVar variation 1471135 (VCV001471135.6), dbSNP rs2125653838, ClinGen allele CA352237554.